The following is an entry in ClinVar:

ClinVar aggregate classification (germline): Uncertain significance (1 of 4 stars; one submission).

Submission:

Dasa
Classification: Uncertain significance. Last evaluated: 2025-08-30. Review status: criteria provided, single submitter. Criteria: DASA Assertion Criteria. Collection method: clinical testing. Allele origin: germline.
Comment: NM_006158.5(NEFL):c.166A>G (p.Ser56Gly) is a missense variant that results in the substitution of serine with glycine. This variant is absent from population databases. The currently available literature and clinical evidence are not sufficient to establish a definitive association between this variant and the reported condition. Therefore, this variant is classified as a variant of uncertain significance.

NM_006158.5(NEFL):c.166A>G (p.Ser56Gly)

Gene: NEFL (neurofilament light chain; minus strand). Cytogenetic location: 8p21.2.
Variant type: single nucleotide variant.
Coding change: c.166A>G on transcript NM_006158.5 (MANE Select); coding-DNA position 166, A replaced by G.
Protein change: p.Ser56Gly; replaces serine 56 with glycine.
Molecular consequence: missense variant.
Genome position (GRCh38, 1-based): chr8:24,956,350, T>C on the plus strand (A>G on the coding strand, the complement: NEFL is on the minus strand). VCF-style: chr8-24956350-T-C. GRCh37 (hg19) VCF-style: chr8-24813864-T-C.
Other names: short protein forms S56G.
Identifiers: ClinVar variation 4881410 (VCV004881410.2).
Genomic context (GRCh38, chr8:24,956,350, plus strand): 5'-CCTGGCTCAGGTCGAGGTTCTCCAGACTGGGCATCAACGATCCAGAGCTGGAGGAGTAGC[T>C]GCGGCGCACGGACAGCGAGGAAGACACCGGCGCCGAGTAGCTGGAGTAAGCTGAGCGTGC-3'
Protein context (NP_006149.2, residues 46-66): PVSSSLSVRR[Ser56Gly]YSSSSGSLMP